The following is an entry in ClinVar:

NM_198391.3(FLRT3):c.1140G>C (p.Gln380His)

Genes: FLRT3 (fibronectin leucine rich transmembrane protein 3; minus strand), MACROD2 (mono-ADP ribosylhydrolase 2; plus strand). Cytogenetic location: 20p12.1.
Variant type: single nucleotide variant.
Coding change: c.1140G>C on transcript NM_198391.3 (MANE Select); coding-DNA position 1140, G replaced by C.
Protein change: p.Gln380His; replaces glutamine 380 with histidine.
Molecular consequence: missense variant. On other transcripts: intron variant (3).
Genome position (GRCh38, 1-based): chr20:14,326,367, C>G on the plus strand (G>C on the coding strand, the complement: FLRT3 is on the minus strand). VCF-style: chr20-14326367-C-G. GRCh37 (hg19) VCF-style: chr20-14307013-C-G.
Other names: c.1140G>C, p.Gln380His (NM_013281.4); c.272-167112C>G (NM_001351661.2, NM_001351663.2, NM_080676.6); short protein forms Q380H.
Identifiers: ClinVar variation 4745420 (VCV004745420.1).

ClinVar aggregate classification (germline): Uncertain significance (1 of 4 stars; one submission).

Submission:

Labcorp Genetics (formerly Invitae), Labcorp
Classification: Uncertain significance. Last evaluated: 2025-03-18. Review status: criteria provided, single submitter. Criteria: Invitae Variant Classification Sherloc (09022015). Collection method: clinical testing. Allele origin: germline.
Comment: This sequence change replaces glutamine, which is neutral and polar, with histidine, which is basic and polar, at codon 380 of the FLRT3 protein (p.Gln380His). This variant is not present in population databases (gnomAD no frequency). This variant has not been reported in the literature in individuals affected with FLRT3-related conditions. Invitae Evidence Modeling of protein sequence and biophysical properties (such as structural, functional, and spatial information, amino acid conservation, physicochemical variation, residue mobility, and thermodynamic stability) indicates that this missense variant is not expected to disrupt FLRT3 protein function with a negative predictive value of 80%. In summary, the available evidence is currently insufficient to determine the role of this variant in disease. Therefore, it has been classified as a Variant of Uncertain Significance.